The following is an entry in ClinVar:

NM_005228.5(EGFR):c.3146G>A (p.Cys1049Tyr)

Gene: EGFR (epidermal growth factor receptor; plus strand). Cytogenetic location: 7p11.2.
Variant type: single nucleotide variant.
Coding change: c.3146G>A on transcript NM_005228.5 (MANE Select); coding-DNA position 3146, G replaced by A.
Protein change: p.Cys1049Tyr; replaces cysteine 1049 with tyrosine.
Molecular consequence: missense variant.
Genome position (GRCh38, 1-based): chr7:55,201,766, G>A. VCF-style: chr7-55201766-G-A. GRCh37 (hg19) VCF-style: chr7-55269459-G-A.
Other names: c.3011G>A, p.Cys1004Tyr (NM_001346897.2, NM_001346899.2); c.3146G>A, p.Cys1049Tyr (NM_001346898.2); c.2987G>A, p.Cys996Tyr (NM_001346900.2); c.2345G>A, p.Cys782Tyr (NM_001346941.2); short protein forms C996Y, C1004Y, C1049Y, C782Y.
Identifiers: ClinVar variation 4639746 (VCV004639746.1).

ClinVar aggregate classification (germline): Uncertain significance (1 of 4 stars; one submission).

Conditions:
Hereditary cancer-predisposing syndrome. Also called: Neoplastic Syndromes, Hereditary; Tumor predisposition; Hereditary Cancer Syndrome; Hereditary neoplastic syndrome. Identifiers: Orphanet 140162, MedGen C0027672, MeSH D009386, MONDO:0015356.

gnomAD v4.1: 2 of 1,614,212 alleles (0.00012%); highest among the groups gnomAD compares: South Asian, 0.0011%; no homozygotes.

Submission:

Ambry Genetics
Classification: Uncertain significance for Hereditary cancer-predisposing syndrome. Last evaluated: 2025-11-22. Review status: criteria provided, single submitter. Criteria: Ambry Variant Classification Scheme 2023. Collection method: clinical testing. Allele origin: germline.
Comment: The p.C1049Y variant (also known as c.3146G>A), located in coding exon 26 of the EGFR gene, results from a G to A substitution at nucleotide position 3146. The cysteine at codon 1049 is replaced by tyrosine, an amino acid with highly dissimilar properties. This amino acid position is conserved. In addition, this alteration is predicted to be deleterious by in silico analysis. Based on the available evidence, the clinical significance of this variant remains unclear.